The following is an entry in ClinVar:

NM_014339.7(IL17RA):c.1670A>G (p.Asn557Ser)

Gene: IL17RA (interleukin 17 receptor A; plus strand). Cytogenetic location: 22q11.1.
Variant type: single nucleotide variant.
Coding change: c.1670A>G on transcript NM_014339.7 (MANE Select); coding-DNA position 1670, A replaced by G.
Protein change: p.Asn557Ser; replaces asparagine 557 with serine.
Molecular consequence: missense variant.
Genome position (GRCh38, 1-based): chr22:17,108,889, A>G. VCF-style: chr22-17108889-A-G. GRCh37 (hg19) VCF-style: chr22-17589779-A-G.
Other names: c.1568A>G, p.Asn523Ser (NM_001289905.2); c.1670A>G (NM_014339.5); short protein forms N523S, N557S.
Identifiers: ClinVar variation 1016337 (VCV001016337.9), dbSNP rs1445798719, ClinGen allele CA410218433.
Genomic context (GRCh38, chr22:17,108,889, plus strand): 5'-AGGACCTGGAGATGTTCCAGCCGGGCCGCATGCACCGCGTAGGGGAGCTGTCGGGGGACA[A>G]CTACCTGCGGAGCCCGGGCGGCAGGCAGCTCCGCGCCGCCCTGGACAGGTTCCGGGACTG-3'
Protein context (NP_055154.3, residues 547-567): MHRVGELSGD[Asn557Ser]YLRSPGGRQL

ClinVar aggregate classification (germline): Uncertain significance. Review status: criteria provided, multiple submitters, no conflicts (2 of 4 stars). 2 submissions from 2 submitters: Uncertain significance (2). Last evaluated 2025-12-03.

Conditions:
Immunodeficiency 51 (IMD51). Also called: CANDIDIASIS, FAMILIAL, 5. Identifiers: Orphanet 1334, MedGen C4310803, MONDO:0013500, OMIM 613953.

Allele frequency attached by ClinVar (database versions not stated): gnomAD exomes below 0.00001 and 0.00001; gnomAD 0.00001.

Submissions (2):

Labcorp Genetics (formerly Invitae), Labcorp
Classification: Uncertain significance for Immunodeficiency 51. Last evaluated: 2025-12-03. Review status: criteria provided, single submitter. Criteria: Invitae Variant Classification Sherloc (09022015). Collection method: clinical testing. Allele origin: germline.
Comment: This sequence change replaces asparagine, which is neutral and polar, with serine, which is neutral and polar, at codon 557 of the IL17RA protein (p.Asn557Ser). This variant is present in population databases (no rsID available, gnomAD 0.0009%). This variant has not been reported in the literature in individuals affected with IL17RA-related conditions. ClinVar contains an entry for this variant (Variation ID: 1016337). Invitae Evidence Modeling of protein sequence and biophysical properties (such as structural, functional, and spatial information, amino acid conservation, physicochemical variation, residue mobility, and thermodynamic stability) indicates that this missense variant is not expected to disrupt IL17RA protein function with a negative predictive value of 80%. In summary, the available evidence is currently insufficient to determine the role of this variant in disease. Therefore, it has been classified as a Variant of Uncertain Significance.

Ambry Genetics
Classification: Uncertain significance. Last evaluated: 2024-01-03. Review status: criteria provided, single submitter. Criteria: Ambry Variant Classification Scheme 2023. Collection method: clinical testing. Allele origin: germline.